The following is an entry in ClinVar:

NM_006513.4(SARS1):c.1210C>T (p.Arg404Cys)

Gene: SARS1 (seryl-tRNA synthetase 1; plus strand). Cytogenetic location: 1p13.3.
Variant type: single nucleotide variant.
Coding change: c.1210C>T on transcript NM_006513.4 (MANE Select); coding-DNA position 1210, C replaced by T.
Protein change: p.Arg404Cys; replaces arginine 404 with cysteine.
Molecular consequence: missense variant.
Genome position (GRCh38, 1-based): chr1:109,236,501, C>T. VCF-style: chr1-109236501-C-T. GRCh37 (hg19) VCF-style: chr1-109779123-C-T.
Other names: c.1210C>T, p.Arg404Cys (NM_001330669.1); short protein forms R404C.
Identifiers: ClinVar variation 3031372 (VCV003031372.4), dbSNP rs1655314337, ClinGen allele CA341512061.

ClinVar aggregate classification (germline): Uncertain significance. Review status: criteria provided, multiple submitters, no conflicts (2 of 4 stars). 3 submissions from 3 submitters: Uncertain significance (2). 1 of the submissions does not count toward it. Last evaluated 2025-07-29.

Conditions:
Neurodevelopmental disorder with microcephaly, ataxia, and seizures. Identifiers: MedGen C4540188, MONDO:0060577, OMIM 617709.
SARS1-related disorder. Also called: SARS1-related disorders; SARS1-related condition.

Allele frequency attached by ClinVar (database versions not stated): gnomAD exomes below 0.00001; gnomAD 0.00001.

Submissions (3):

Undiagnosed Diseases Network, NIH
Classification: Uncertain significance for Neurodevelopmental disorder with microcephaly, ataxia, and seizures. Last evaluated: 2025-07-29. Review status: criteria provided, single submitter. Criteria: ACMG Guidelines, 2015. Collection method: clinical testing. Allele origin: maternal. Affected: yes. Observed: 1 variant allele, 1 compound heterozygote. Study: Undiagnosed Diseases Network (NIH), UDN.

Ambry Genetics
Classification: Uncertain significance. Last evaluated: 2024-11-24. Review status: criteria provided, single submitter. Criteria: Ambry Variant Classification Scheme 2023. Collection method: clinical testing. Allele origin: germline.

PreventionGenetics, part of Exact Sciences
Classification: Uncertain significance for SARS1-related condition. Last evaluated: 2023-10-25. Review status: no assertion criteria provided. Collection method: clinical testing. Allele origin: germline. Not counted in ClinVar's aggregate classification.
Comment: The SARS1 c.1210C>T variant is predicted to result in the amino acid substitution p.Arg404Cys. To our knowledge, this variant has not been reported in the literature or in a large population database, indicating this variant is rare. At this time, the clinical significance of this variant is uncertain due to the absence of conclusive functional and genetic evidence.